The following is an entry in ClinVar:

NM_153006.3(NAGS):c.69_78del (p.Gly24fs)

Gene: NAGS (N-acetylglutamate synthase; plus strand). Cytogenetic location: 17q21.31.
Variant type: Deletion.
Coding change: c.69_78del on transcript NM_153006.3 (MANE Select); coding-DNA positions 69 to 78, 10 bases deleted (AGGCACTGGG; older notation c.69_78delAGGCACTGGG).
Protein change: p.Gly24fs; shifts the reading frame from glycine 24.
Molecular consequence: frameshift variant.
Genome position (GRCh38, 1-based): chr17:44,004,732-44,004,741, AGGCACTGGG deleted; deleting any 10 consecutive bases within chr17:44,004,729-44,004,741 gives the same sequence; the c. name uses the placement nearest the transcript's 3' end. VCF-style (leftmost placement, unchanged base first): chr17-44004728-GGGGAGGCACT-G. GRCh37 (hg19) VCF-style: chr17-42082096-GGGGAGGCACT-G.
Other names: c.69_78del10 (NM_153006.2); c.69_78delAGGCACTGGG (NM_153006.2); short protein forms G24fs.
Identifiers: ClinVar variation 1070802 (VCV001070802.9), dbSNP rs2049060332, ClinGen allele CA983968361.

ClinVar aggregate classification (germline): Pathogenic/Likely pathogenic. Review status: criteria provided, multiple submitters, no conflicts (2 of 4 stars). 3 submissions from 3 submitters: Pathogenic (1); Likely pathogenic (2). Last evaluated 2025-10-29.

Conditions:
Hyperammonemia, type III (NAGSD). Also called: Hyperammonemia due to N-acetylglutamate synthase deficiency. Identifiers: Orphanet 927, MedGen C0268543, MONDO:0009377, OMIM 237310.
NAGS-related disorder. Also called: NAGS-related condition.

Submissions (3):

Natera, Inc.
Classification: Likely pathogenic for Hyperammonemia type III. Last evaluated: 2025-10-29. Review status: criteria provided, single submitter. Criteria: Natera Variant Classification Schema (03/2026). Collection method: clinical testing. Allele origin: germline.
Comment: The c.69_78delAGGCACTGGG variant in NAGS is a frameshift variant predicted to shift the reading frame beginning at codon 24 and leads to a stop codon 5 codons downstream. This variant is expected to result in nonsense mediated decay, truncation, or a dysfunctional protein product. This variant is rare in the general population with a frequency below the threshold expected for the associated phenotype(s). Given the available evidence, this variant is classified as Likely Pathogenic.

PreventionGenetics, part of Exact Sciences
Classification: Likely pathogenic for NAGS-related condition. Last evaluated: 2025-04-17. Review status: criteria provided, single submitter. Criteria: ACMG Guidelines, 2015. Collection method: clinical testing. Allele origin: germline.
Comment: The NAGS c.69_78del10 variant is predicted to result in a frameshift and premature protein termination (p.Gly24Alafs*5). To our knowledge, this variant has not been reported in the literature or in a large population database (gnomAD), indicating this variant is rare. Frameshift variants in NAGS are expected to be pathogenic. This variant is interpreted as likely pathogenic.

Labcorp Genetics (formerly Invitae), Labcorp
Classification: Pathogenic for Hyperammonemia, type III. Last evaluated: 2024-02-26. Review status: criteria provided, single submitter. Criteria: Invitae Variant Classification Sherloc (09022015). Collection method: clinical testing. Allele origin: germline.
Comment: This sequence change creates a premature translational stop signal (p.Gly24Alafs*5) in the NAGS gene. It is expected to result in an absent or disrupted protein product. Loss-of-function variants in NAGS are known to be pathogenic (PMID: 12594532). This variant is not present in population databases (gnomAD no frequency). This variant has not been reported in the literature in individuals affected with NAGS-related conditions. ClinVar contains an entry for this variant (Variation ID: 1070802). For these reasons, this variant has been classified as Pathogenic.

Literature cited by the submitters: PubMed 12594532 (cited by Labcorp Genetics (formerly Invitae), Labcorp).